The following is an entry in ClinVar:

ClinVar aggregate classification (germline): Conflicting classifications of pathogenicity. Review status: criteria provided, conflicting classifications (1 of 4 stars). 3 submissions from 3 submitters: Uncertain significance (1); Benign (1). 1 of the submissions does not count toward it. Last evaluated 2025-07-24.

Conditions:
Spinocerebellar ataxia, autosomal recessive, with axonal neuropathy 2 (SCAN2). Also called: Ataxia-ocular apraxia-2; Ataxia with Oculomotor Apraxia; Ataxia with Oculomotor Apraxia Type 2; ATAXIA-OCULOMOTOR APRAXIA 2. Identifiers: Orphanet 64753, MedGen C1853761, MONDO:0018996, OMIM 606002.
Amyotrophic lateral sclerosis type 4 (ALS4). Also called: AMYOTROPHIC LATERAL SCLEROSIS 4, JUVENILE; NEURONOPATHY, DISTAL HEREDITARY MOTOR, WITH PYRAMIDAL FEATURES. Identifiers: Orphanet 357043, MedGen C1865409, MONDO:0011223, OMIM 602433.
Inborn genetic diseases. Identifiers: MedGen C0950123, MeSH D030342.
Frontotemporal dementia (FTD1). Also called: WILHELMSEN-LYNCH DISEASE; FRONTOTEMPORAL DEMENTIA WITH PARKINSONISM; FRONTOTEMPORAL LOBE DEMENTIA; Frontotemporal lobe dementia (FLDEM); FRONTOTEMPORAL LOBAR DEGENERATION WITH TAU INCLUSIONS; FTLD WITH TAU INCLUSIONS. Identifiers: Orphanet 282, MedGen C0338451, MONDO:0017276, OMIM 600274, HP:0002145.

Allele frequency attached by ClinVar (database versions not stated): gnomAD 0.00001; gnomAD exomes 0.00001 and 0.00002; TOPMed 0.00002; ExAC 0.00004.
gnomAD v4.1: 25 of 1,612,898 alleles (0.0016%); highest among the groups gnomAD compares: Admixed American, 0.0067%; no homozygotes.

Submissions (3):

Labcorp Genetics (formerly Invitae), Labcorp
Classification: Benign for Amyotrophic lateral sclerosis type 4; Spinocerebellar ataxia, autosomal recessive, with axonal neuropathy 2. Last evaluated: 2025-07-24. Review status: criteria provided, single submitter. Criteria: Invitae Variant Classification Sherloc (09022015). Collection method: clinical testing. Allele origin: germline.

Ambry Genetics
Classification: Uncertain significance for Inborn genetic diseases. Last evaluated: 2022-06-27. Review status: criteria provided, single submitter. Criteria: Ambry Variant Classification Scheme 2023. Collection method: clinical testing. Allele origin: germline.
Comment: The p.T372P variant (also known as c.1114A>C), located in coding exon 8 of the SETX gene, results from an A to C substitution at nucleotide position 1114. The threonine at codon 372 is replaced by proline, an amino acid with highly similar properties. This amino acid position is conserved. In addition, this alteration is predicted to be tolerated by in silico analysis. Since supporting evidence is limited at this time, the clinical significance of this alteration remains unclear.

Guerreiro-Bras Laboratory, Van Andel Institute
Classification: Likely pathogenic for Frontotemporal dementia. Last evaluated: 2022-02-02. Review status: no assertion criteria provided. Collection method: research. Allele origin: unknown. Affected: yes. Not counted in ClinVar's aggregate classification.

NM_015046.7(SETX):c.1114A>C (p.Thr372Pro)

Gene: SETX (senataxin; minus strand). Cytogenetic location: 9q34.13.
Variant type: single nucleotide variant.
Coding change: c.1114A>C on transcript NM_015046.7 (MANE Select); coding-DNA position 1114, A replaced by C.
Protein change: p.Thr372Pro; replaces threonine 372 with proline.
Molecular consequence: missense variant.
Genome position (GRCh38, 1-based): chr9:132,330,484, T>G on the plus strand (A>C on the coding strand, the complement: SETX is on the minus strand). VCF-style: chr9-132330484-T-G. GRCh37 (hg19) VCF-style: chr9-135205871-T-G.
Other names: c.1114A>C, p.Thr372Pro (NM_001351527.2, NM_001351528.2); short protein forms T372P.
Identifiers: ClinVar variation 1344518 (VCV001344518.5), dbSNP rs145145045, ClinGen allele CA5297819.